The following is an entry in ClinVar:

NM_144672.4(OTOA):c.1915T>G (p.Cys639Gly)

Gene: OTOA (otoancorin). Cytogenetic location: 16p12.2.
Variant type: single nucleotide variant.
Coding change: c.1915T>G on transcript NM_144672.4 (MANE Select); coding-DNA position 1915, T replaced by G.
Protein change: p.Cys639Gly; replaces cysteine 639 with glycine.
Molecular consequence: missense variant.
Genome position (GRCh38, 1-based): chr16:21,726,557, T>G. VCF-style: chr16-21726557-T-G. GRCh37 (hg19) VCF-style: chr16-21737878-T-G.
Other names: c.1678T>G, p.Cys560Gly (NM_001161683.2); c.943T>G, p.Cys315Gly (NM_170664.3); short protein forms C315G, C560G, C639G.
Identifiers: ClinVar variation 3774638 (VCV003774638.2).
Genomic context (GRCh38, chr16:21,726,557, plus strand): 5'-CTCTTGTTCTCCCCATCTCTCTCCAGGGCCCGCTACCTGGCTTCTGTCCCAGCCTCCCAG[T>G]GTGTGCCCTTTCTGATCAGCCTGGGGAAGAGCTGGTTGGACTCCTTGGTTTTAGATTCCC-3'
Protein context (NP_653273.3, residues 629-649): RYLASVPASQ[Cys639Gly]VPFLISLGKS

ClinVar aggregate classification (germline): Likely pathogenic (1 of 4 stars; one submission).

gnomAD v4.1: 1 of 1,613,998 alleles (0.000062%); highest among the groups gnomAD compares: East Asian, 0.0022%; no homozygotes.

Submission:

GeneDx
Classification: Likely pathogenic. Last evaluated: 2025-10-31. Review status: criteria provided, single submitter. Criteria: GeneDx Variant Classification Process June 2021. Collection method: clinical testing. Allele origin: germline.
Comment: Not observed at significant frequency in large population cohorts (gnomAD); In silico analysis supports that this missense variant has a deleterious effect on protein structure/function; Has not been previously published as pathogenic or benign to our knowledge